The following is an entry in ClinVar:

ClinVar aggregate classification (germline): Uncertain significance (1 of 4 stars; one submission).

Allele frequency attached by ClinVar (database versions not stated): gnomAD 0.00001; gnomAD exomes 0.00001; TOPMed 0.00003.
gnomAD v4.1: 5 of 1,614,012 alleles (0.00031%); highest among the groups gnomAD compares: East Asian, 0.0022%; no homozygotes.

Submission:

Labcorp Genetics (formerly Invitae), Labcorp
Classification: Uncertain significance. Last evaluated: 2024-03-01. Review status: criteria provided, single submitter. Criteria: Invitae Variant Classification Sherloc (09022015). Collection method: clinical testing. Allele origin: germline.
Comment: This sequence change replaces glycine, which is neutral and non-polar, with glutamic acid, which is acidic and polar, at codon 671 of the COL9A2 protein (p.Gly671Glu). This variant is not present in population databases (gnomAD no frequency). This variant has not been reported in the literature in individuals affected with COL9A2-related conditions. ClinVar contains an entry for this variant (Variation ID: 1520141). Advanced modeling of protein sequence and biophysical properties (such as structural, functional, and spatial information, amino acid conservation, physicochemical variation, residue mobility, and thermodynamic stability) performed at Invitae indicates that this missense variant is not expected to disrupt COL9A2 protein function with a negative predictive value of 95%. In summary, the available evidence is currently insufficient to determine the role of this variant in disease. Therefore, it has been classified as a Variant of Uncertain Significance.

NM_001852.4(COL9A2):c.2012G>A (p.Gly671Glu)

Gene: COL9A2 (collagen type IX alpha 2 chain; minus strand). Cytogenetic location: 1p34.2.
Variant type: single nucleotide variant.
Coding change: c.2012G>A on transcript NM_001852.4 (MANE Select); coding-DNA position 2012, G replaced by A.
Protein change: p.Gly671Glu; replaces glycine 671 with glutamic acid.
Molecular consequence: missense variant.
Genome position (GRCh38, 1-based): chr1:40,301,240, C>T on the plus strand (G>A on the coding strand, the complement: COL9A2 is on the minus strand). VCF-style: chr1-40301240-C-T. GRCh37 (hg19) VCF-style: chr1-40766912-C-T.
Other names: short protein forms G671E.
Identifiers: ClinVar variation 1520141 (VCV001520141.8), dbSNP rs1569690999, ClinGen allele CA339873816.